The following is an entry in ClinVar:

NM_000293.3:c.(?_-1)_(1068+1_1069-1)del

Gene: PHKB (phosphorylase kinase regulatory subunit beta; plus strand).
Variant type: Deletion.
Other names: c.(?_-1)_(1068+1_1069-1)del (NM_000293.3).
Identifiers: ClinVar variation 998115 (VCV000998115.1).

ClinVar aggregate classification (germline): Pathogenic (1 of 4 stars; one submission).

Conditions:
Glycogen storage disease IXb (GSD9B). Also called: GLYCOGENOSIS OF LIVER AND MUSCLE, AUTOSOMAL RECESSIVE; GSD IXb; PHOSPHORYLASE KINASE DEFICIENCY OF LIVER AND MUSCLE, AUTOSOMAL RECESSIVE. Identifiers: Orphanet 79240, MedGen C0543514, MONDO:0009868, OMIM 261750.

Submission:

Centre for Human Genetics
Classification: Pathogenic for Glycogen storage disease IXb. Last evaluated: 2020-08-27. Review status: criteria provided, single submitter. Criteria: ACMG Guidelines, 2015. Collection method: clinical testing. Allele origin: inherited. Inheritance: Autosomal recessive inheritance. Affected: yes. Observed: 1 variant allele.
Comment: disease causing